The following is an entry in ClinVar:

ClinVar aggregate classification (germline): Uncertain significance. Review status: criteria provided, multiple submitters, no conflicts (2 of 4 stars). 4 submissions from 4 submitters: Uncertain significance (4). Last evaluated 2026-04-07.

Conditions:
Inborn genetic diseases. Identifiers: MedGen C0950123, MeSH D030342.
Immunodeficiency, common variable, 2 (CVID2). Also called: ANTIBODY DEFICIENCY DUE TO TACI DEFECT; HYPOGAMMAGLOBULINEMIA DUE TO TACI DEFICIENCY. Identifiers: Orphanet 1572, MedGen C3150354, MONDO:0009413, OMIM 240500.

Allele frequency attached by ClinVar (database versions not stated): gnomAD exomes 0.00005 and 0.00008; ExAC 0.00006; 1000 Genomes Project 30x 0.00016; gnomAD 0.00032 and 0.00035; TOPMed 0.00042; ESP Exome Variant Server 0.00046.
gnomAD v4.1: 118 of 1,613,706 alleles (0.0073%); highest among the groups gnomAD compares: African/African-American, 0.13%; 1 homozygote.

Submissions (4):

Women's Health and Genetics/Laboratory Corporation of America, LabCorp
Classification: Uncertain significance. Last evaluated: 2026-04-07. Review status: criteria provided, single submitter. Criteria: LabCorp Variant Classification Summary - May 2015. Collection method: clinical testing. Allele origin: germline.

Ambry Genetics
Classification: Uncertain significance for Inborn genetic diseases. Last evaluated: 2024-02-27. Review status: criteria provided, single submitter. Criteria: Ambry Variant Classification Scheme 2023. Collection method: clinical testing. Allele origin: germline.

Labcorp Genetics (formerly Invitae), Labcorp
Classification: Uncertain significance for Immunodeficiency, common variable, 2. Last evaluated: 2023-12-11. Review status: criteria provided, single submitter. Criteria: Invitae Variant Classification Sherloc (09022015). Collection method: clinical testing. Allele origin: germline.
Comment: This sequence change replaces serine, which is neutral and polar, with arginine, which is basic and polar, at codon 156 of the TNFRSF13B protein (p.Ser156Arg). This variant is present in population databases (rs148758686, gnomAD 0.1%). This variant has not been reported in the literature in individuals affected with TNFRSF13B-related conditions. ClinVar contains an entry for this variant (Variation ID: 664357). Advanced modeling of protein sequence and biophysical properties (such as structural, functional, and spatial information, amino acid conservation, physicochemical variation, residue mobility, and thermodynamic stability) performed at Invitae indicates that this missense variant is expected to disrupt TNFRSF13B protein function with a positive predictive value of 80%. In summary, the available evidence is currently insufficient to determine the role of this variant in disease. Therefore, it has been classified as a Variant of Uncertain Significance.

Blueprint Genetics
Classification: Uncertain significance. Last evaluated: 2023-03-21. Review status: criteria provided, single submitter. Criteria: ACMG Guidelines, 2015. Collection method: clinical testing. Allele origin: germline.

NM_012452.3(TNFRSF13B):c.468T>G (p.Ser156Arg)

Gene: TNFRSF13B (TNF receptor superfamily member 13B; minus strand). Cytogenetic location: 17p11.2.
Variant type: single nucleotide variant.
Coding change: c.468T>G on transcript NM_012452.3 (MANE Select); coding-DNA position 468, T replaced by G.
Protein change: p.Ser156Arg; replaces serine 156 with arginine.
Molecular consequence: missense variant.
Genome position (GRCh38, 1-based): chr17:16,940,489, A>C on the plus strand (T>G on the coding strand, the complement: TNFRSF13B is on the minus strand). VCF-style: chr17-16940489-A-C. GRCh37 (hg19) VCF-style: chr17-16843803-A-C.
Other names: short protein forms S156R.
Identifiers: ClinVar variation 664357 (VCV000664357.9), dbSNP rs148758686, ClinGen allele CA8413972.